The following is an entry in ClinVar:

ClinVar aggregate classification (germline): Likely benign (1 of 4 stars; one submission).

Conditions:
SPEN-related disorder. Also called: SPEN-related condition.

gnomAD v4.1: 183 of 1,614,184 alleles (0.011%); highest among the groups gnomAD compares: South Asian, 0.098%; no homozygotes.

Submission:

PreventionGenetics, part of Exact Sciences
Classification: Likely benign for SPEN-related condition. Last evaluated: 2025-05-21. Review status: criteria provided, single submitter. Criteria: ACMG Guidelines, 2015. Collection method: clinical testing. Allele origin: germline.
Comment: This variant is classified as likely benign based on ACMG/AMP sequence variant interpretation guidelines (Richards et al. 2015 PMID: 25741868, with internal and published modifications).

NM_015001.3(SPEN):c.5769C>T (p.Pro1923=)

Gene: SPEN (spen family transcriptional repressor; plus strand). Cytogenetic location: 1p36.13.
Variant type: single nucleotide variant.
Coding change: c.5769C>T on transcript NM_015001.3 (MANE Select); coding-DNA position 5769, C replaced by T.
Protein change: p.Pro1923=; no amino-acid change (proline 1923 retained).
Molecular consequence: synonymous variant.
Genome position (GRCh38, 1-based): chr1:15,932,009, C>T. VCF-style: chr1-15932009-C-T. GRCh37 (hg19) VCF-style: chr1-16258504-C-T.
Identifiers: ClinVar variation 4981777 (VCV004981777.1).